The following is an entry in ClinVar:

NM_020207.7(ERCC6L2):c.493G>C (p.Val165Leu)

Gene: ERCC6L2 (ERCC excision repair 6 like 2; plus strand). Cytogenetic location: 9q22.32.
Variant type: single nucleotide variant.
Coding change: c.493G>C on transcript NM_020207.7 (MANE Select); coding-DNA position 493, G replaced by C.
Protein change: p.Val165Leu; replaces valine 165 with leucine.
Molecular consequence: missense variant. On other transcripts: non-coding transcript variant (1).
Genome position (GRCh38, 1-based): chr9:95,897,870, G>C. VCF-style: chr9-95897870-G-C. GRCh37 (hg19) VCF-style: chr9-98660152-G-C.
Other names: c.493G>C, p.Val165Leu (NM_001010895.4, NM_001375291.1, NM_001375292.1 and 2 more transcripts); short protein forms V165L.
Identifiers: ClinVar variation 3845951 (VCV003845951.1).

ClinVar aggregate classification (germline): Uncertain significance (1 of 4 stars; one submission).

Conditions:
Inborn genetic diseases. Identifiers: MedGen C0950123, MeSH D030342.

Submission:

Ambry Genetics
Classification: Uncertain significance for Inborn genetic diseases. Last evaluated: 2025-02-21. Review status: criteria provided, single submitter. Criteria: Ambry Variant Classification Scheme 2023. Collection method: clinical testing. Allele origin: germline.
Comment: The p.V165L variant (also known as c.493G>C), located in coding exon 3 of the ERCC6L2 gene, results from a G to C substitution at nucleotide position 493. The valine at codon 165 is replaced by leucine, an amino acid with highly similar properties. This amino acid position is conserved. In addition, this alteration is predicted to be tolerated by in silico analysis. Based on the available evidence, the clinical significance of this variant remains unclear.